The following is an entry in ClinVar:

NM_031935.3(HMCN1):c.13930G>A (p.Gly4644Arg)

Gene: HMCN1 (hemicentin 1; plus strand). Cytogenetic location: 1q31.1.
Variant type: single nucleotide variant.
Coding change: c.13930G>A on transcript NM_031935.3 (MANE Select); coding-DNA position 13930, G replaced by A.
Protein change: p.Gly4644Arg; replaces glycine 4644 with arginine.
Molecular consequence: missense variant.
Genome position (GRCh38, 1-based): chr1:186,144,178, G>A. VCF-style: chr1-186144178-G-A. GRCh37 (hg19) VCF-style: chr1-186113310-G-A.
Other names: short protein forms G4644R.
Identifiers: ClinVar variation 2114698 (VCV002114698.4), dbSNP rs930780704, ClinGen allele CA33475301.
Genomic context (GRCh38, chr1:186,144,178, plus strand): 5'-GGTTTTAAACAAACACGGTTCTGTGACTTGCAACTGTCTTTTGGGGTGTTTGCAGTTCAT[G>A]GAGCATGGAGCGCTTGGCAGCCTTGGGGAACATGCAGCGAAAGTTGTGGGAAAGGTACTC-3'
Protein context (NP_114141.2, residues 4634-4654): MCNIRPCPVH[Gly4644Arg]AWSAWQPWGT

ClinVar aggregate classification (germline): Uncertain significance (1 of 4 stars; one submission).

Allele frequency attached by ClinVar (database versions not stated): gnomAD exomes below 0.00001; TOPMed below 0.00001; gnomAD 0.00001.
gnomAD v4.1: 2 of 1,600,038 alleles (0.00012%); highest among the groups gnomAD compares: Non-Finnish European, 0.00017%; no homozygotes.

Submission:

Labcorp Genetics (formerly Invitae), Labcorp
Classification: Uncertain significance. Last evaluated: 2022-03-19. Review status: criteria provided, single submitter. Criteria: Invitae Variant Classification Sherloc (09022015). Collection method: clinical testing. Allele origin: germline.
Comment: This variant is not present in population databases (gnomAD no frequency). This sequence change replaces glycine, which is neutral and non-polar, with arginine, which is basic and polar, at codon 4644 of the HMCN1 protein (p.Gly4644Arg). This variant has not been reported in the literature in individuals affected with HMCN1-related conditions. Algorithms developed to predict the effect of missense changes on protein structure and function (SIFT, PolyPhen-2, Align-GVGD) all suggest that this variant is likely to be disruptive. In summary, the available evidence is currently insufficient to determine the role of this variant in disease. Therefore, it has been classified as a Variant of Uncertain Significance.